The following is an entry in ClinVar:

NM_015073.3(SIPA1L3):c.934G>T (p.Gly312Trp)

Gene: SIPA1L3 (signal induced proliferation associated 1 like 3; plus strand). Cytogenetic location: 19q13.13.
Variant type: single nucleotide variant.
Coding change: c.934G>T on transcript NM_015073.3 (MANE Select); coding-DNA position 934, G replaced by T.
Protein change: p.Gly312Trp; replaces glycine 312 with tryptophan.
Molecular consequence: missense variant.
Genome position (GRCh38, 1-based): chr19:38,082,499, G>T. VCF-style: chr19-38082499-G-T. GRCh37 (hg19) VCF-style: chr19-38573139-G-T.
Other names: short protein forms G312W.
Identifiers: ClinVar variation 677235 (VCV000677235.9), dbSNP rs62121430, ClinGen allele CA9409239.
Genomic context (GRCh38, chr19:38,082,499, plus strand): 5'-GGCGGCGGGGACACGGTGGACTCGTCCATCTTTCGGAAGCTAAGGAGCAGCAAACCCGAG[G>T]GGGAGGCTGGGCGTTCCCCGGGGGAGGCCGACGAGGGCCGGAGCCCCCCGGAAGCCAGCA-3'
Protein context (NP_055888.1, residues 302-322): FRKLRSSKPE[Gly312Trp]EAGRSPGEAD

ClinVar aggregate classification (germline): Benign. Review status: criteria provided, multiple submitters, no conflicts (2 of 4 stars). 3 submissions from 3 submitters: Benign (3). Last evaluated 2026-01-19.

Allele frequency attached by ClinVar (database versions not stated): gnomAD 0.03171 and 0.03138; ESP Exome Variant Server 0.03202; gnomAD exomes 0.03599 and 0.04163; ExAC 0.04137; 1000 Genomes Project 0.02436; TOPMed 0.02932.
gnomAD v4.1: 64,836 of 1,595,540 alleles (4.1%); highest among the groups gnomAD compares: Middle Eastern, 7.9%; 1,473 homozygotes.

Submissions (3):

Labcorp Genetics (formerly Invitae), Labcorp
Classification: Benign. Last evaluated: 2026-01-19. Review status: criteria provided, single submitter. Criteria: Invitae Variant Classification Sherloc (09022015). Collection method: clinical testing. Allele origin: germline.

GeneDx
Classification: Benign. Last evaluated: 2018-05-01. Review status: criteria provided, single submitter. Criteria: GeneDx Variant Classification (06012015). Collection method: clinical testing. Allele origin: germline. Affected: yes.
Comment: This variant is considered likely benign or benign based on one or more of the following criteria: it is a conservative change, it occurs at a poorly conserved position in the protein, it is predicted to be benign by multiple in silico algorithms, and/or has population frequency not consistent with disease.

Breakthrough Genomics
Classification: Benign. Review status: criteria provided, single submitter. Criteria: ACMG Guidelines, 2015. Collection method: not provided. Allele origin: germline. Inheritance: Autosomal recessive inheritance. Affected: yes.